The following is an entry in ClinVar:

NM_001382391.1(CSPP1):c.-11+236G>T

Gene: CSPP1 (centrosome and spindle pole associated protein 1; plus strand). Cytogenetic location: 8q13.1.
Variant type: single nucleotide variant.
Coding change: c.-11+236G>T on transcript NM_001382391.1 (MANE Select); 236 bases into the intron after 11 bases upstream of the start codon, G replaced by T.
Molecular consequence: intron variant.
Genome position (GRCh38, 1-based): chr8:67,064,774, G>T. VCF-style: chr8-67064774-G-T. GRCh37 (hg19) VCF-style: chr8-67977009-G-T.
Other names: c.-11+236G>T (NM_001363132.2, NM_001363131.2, NM_001363133.2); c.98+278G>T (NM_001364869.1, NM_024790.7, NM_001438331.1 and 3 more transcripts).
Identifiers: ClinVar variation 668112 (VCV000668112.2), dbSNP rs76181500, ClinGen allele CA15555892.

ClinVar aggregate classification (germline): Benign. Review status: criteria provided, multiple submitters, no conflicts (2 of 4 stars). 2 submissions from 2 submitters: Benign (2). Last evaluated 2018-06-14.

Allele frequency attached by ClinVar (database versions not stated): gnomAD exomes 0.07723; gnomAD 0.08771 and 0.09493; TOPMed 0.09064; 1000 Genomes Project 30x 0.14725; 1000 Genomes Project 0.15495.
gnomAD v4.1: 32,427 of 388,954 alleles (8.3%); highest among the groups gnomAD compares: East Asian, 27%; 2,699 homozygotes.

Submissions (2):

GeneDx
Classification: Benign. Last evaluated: 2018-06-14. Review status: criteria provided, single submitter. Criteria: GeneDx Variant Classification (06012015). Collection method: clinical testing. Allele origin: germline. Affected: yes.
Comment: This variant is considered likely benign or benign based on one or more of the following criteria: it is a conservative change, it occurs at a poorly conserved position in the protein, it is predicted to be benign by multiple in silico algorithms, and/or has population frequency not consistent with disease.

Breakthrough Genomics
Classification: Benign. Review status: criteria provided, single submitter. Criteria: ACMG Guidelines, 2015. Collection method: not provided. Allele origin: germline. Inheritance: Autosomal recessive inheritance. Affected: yes.